The following is an entry in ClinVar:

NM_139119.3(YY1AP1):c.1149A>G (p.Leu383=)

Gene: YY1AP1 (YY1 associated protein 1; minus strand). Cytogenetic location: 1q22.
Variant type: single nucleotide variant.
Coding change: c.1149A>G on transcript NM_139119.3 (MANE Select); coding-DNA position 1149, A replaced by G.
Protein change: p.Leu383=; no amino-acid change (leucine 383 retained).
Molecular consequence: synonymous variant. On other transcripts: 3 prime UTR variant (1).
Genome position (GRCh38, 1-based): chr1:155,660,761, T>C on the plus strand (A>G on the coding strand, the complement: YY1AP1 is on the minus strand). VCF-style: chr1-155660761-T-C. GRCh37 (hg19) VCF-style: chr1-155630552-T-C.
Other names: c.1116A>G, p.Leu372= (NM_001198899.2, NM_001198900.2, NM_018253.4); c.1149A>G, p.Leu383= (NM_001198901.2, NM_001198902.2); c.1563A>G, p.Leu521= (NM_001198903.1); c.1503A>G, p.Leu501= (NM_001198904.1); c.1089A>G, p.Leu363= (NM_001198905.2); c.*92A>G (NM_001198906.2); c.1287A>G, p.Leu429= (NM_139118.3); c.951A>G, p.Leu317= (NM_139121.3).
Identifiers: ClinVar variation 773817 (VCV000773817.7), dbSNP rs149619998, ClinGen allele CA1148560.

ClinVar aggregate classification (germline): Likely benign. Review status: criteria provided, multiple submitters, no conflicts (2 of 4 stars). 3 submissions from 3 submitters: Likely benign (2). 1 of the submissions does not count toward it. Last evaluated 2024-10-15.

Conditions:
YY1AP1-related disorder. Also called: YY1AP1-related condition.

Allele frequency attached by ClinVar (database versions not stated): ESP Exome Variant Server 0.00015; ExAC 0.00036; 1000 Genomes Project 30x 0.00047; gnomAD 0.00050 and 0.00052; gnomAD exomes 0.00050; 1000 Genomes Project 0.00060; TOPMed 0.00067.
gnomAD v4.1: 531 of 1,614,210 alleles (0.033%); highest among the groups gnomAD compares: Admixed American, 0.19%; no homozygotes.

Submissions (3):

Blueprint Genetics
Classification: Likely benign. Last evaluated: 2024-10-15. Review status: criteria provided, single submitter. Criteria: ACMG Guidelines, 2015. Collection method: clinical testing. Allele origin: germline.

Labcorp Genetics (formerly Invitae), Labcorp
Classification: Likely benign. Last evaluated: 2019-12-31. Review status: criteria provided, single submitter. Criteria: Invitae Variant Classification Sherloc (09022015). Collection method: clinical testing. Allele origin: germline.

PreventionGenetics, part of Exact Sciences
Classification: Likely benign for YY1AP1-related condition. Last evaluated: 2019-02-21. Review status: no assertion criteria provided. Collection method: clinical testing. Allele origin: germline. Not counted in ClinVar's aggregate classification.
Comment: This variant is classified as likely benign based on ACMG/AMP sequence variant interpretation guidelines (Richards et al. 2015 PMID: 25741868, with internal and published modifications).